The following is an entry in ClinVar:

ClinVar aggregate classification (germline): Uncertain significance (1 of 4 stars; one submission).

Submission:

Labcorp Genetics (formerly Invitae), Labcorp
Classification: Uncertain significance. Last evaluated: 2024-10-21. Review status: criteria provided, single submitter. Criteria: Invitae Variant Classification Sherloc (09022015). Collection method: clinical testing. Allele origin: germline.
Comment: This sequence change replaces arginine, which is basic and polar, with glycine, which is neutral and non-polar, at codon 658 of the APC2 protein (p.Arg658Gly). This variant is not present in population databases (gnomAD no frequency). This variant has not been reported in the literature in individuals affected with APC2-related conditions. ClinVar contains an entry for this variant (Variation ID: 1996751). Invitae Evidence Modeling of protein sequence and biophysical properties (such as structural, functional, and spatial information, amino acid conservation, physicochemical variation, residue mobility, and thermodynamic stability) indicates that this missense variant is expected to disrupt APC2 protein function with a positive predictive value of 80%. In summary, the available evidence is currently insufficient to determine the role of this variant in disease. Therefore, it has been classified as a Variant of Uncertain Significance.

NM_005883.3(APC2):c.1972C>G (p.Arg658Gly)

Gene: APC2 (APC regulator of Wnt signaling pathway 2; plus strand). Cytogenetic location: 19p13.3.
Variant type: single nucleotide variant.
Coding change: c.1972C>G on transcript NM_005883.3 (MANE Select); coding-DNA position 1972, C replaced by G.
Protein change: p.Arg658Gly; replaces arginine 658 with glycine.
Molecular consequence: missense variant.
Genome position (GRCh38, 1-based): chr19:1,465,273, C>G. VCF-style: chr19-1465273-C-G. GRCh37 (hg19) VCF-style: chr19-1465272-C-G.
Other names: c.1969C>G, p.Arg657Gly (NM_001351273.1); short protein forms R657G, R658G.
Identifiers: ClinVar variation 1996751 (VCV001996751.4), dbSNP rs746073662, ClinGen allele CA403024424.
Genomic context (GRCh38, chr19:1,465,273, plus strand): 5'-AGCCTGACCATCGTGAGCAACGCGTGCGGCACGCTCTGGAACCTGTCGGCCCGCAGCGCC[C>G]GTGACCAGGAGCTGCTGTGGGACCTGGGCGCCGTGGGCATGCTGCGTAATCTGGTGCACT-3'
Protein context (NP_005874.1, residues 648-668): TLWNLSARSA[Arg658Gly]DQELLWDLGA